The following is an entry in ClinVar:

ClinVar aggregate classification (germline): Uncertain significance. Review status: criteria provided, multiple submitters, no conflicts (2 of 4 stars). 2 submissions from 2 submitters: Uncertain significance (2). Last evaluated 2023-07-17.

Conditions:
Inborn genetic diseases. Identifiers: MedGen C0950123, MeSH D030342.
Charcot-Marie-Tooth disease dominant intermediate B (CMTDIB). Also called: Charcot-Marie-Tooth disease dominant intermediate 1; CMT DI1; Charcot-Marie-Tooth disease dominant intermediate I; CHARCOT-MARIE-TOOTH NEUROPATHY, DOMINANT INTERMEDIATE B. Identifiers: Orphanet 100044, Orphanet 228179, MedGen C1847902, MONDO:0011674, OMIM 606482.

Submissions (2):

Labcorp Genetics (formerly Invitae), Labcorp
Classification: Uncertain significance for Charcot-Marie-Tooth disease dominant intermediate B. Last evaluated: 2023-07-17. Review status: criteria provided, single submitter. Criteria: Invitae Variant Classification Sherloc (09022015). Collection method: clinical testing. Allele origin: germline.
Comment: In summary, the available evidence is currently insufficient to determine the role of this variant in disease. Therefore, it has been classified as a Variant of Uncertain Significance. Advanced modeling of protein sequence and biophysical properties (such as structural, functional, and spatial information, amino acid conservation, physicochemical variation, residue mobility, and thermodynamic stability) has been performed at Invitae for this missense variant, however the output from this modeling did not meet the statistical confidence thresholds required to predict the impact of this variant on DNM2 protein function. ClinVar contains an entry for this variant (Variation ID: 998817). This variant has not been reported in the literature in individuals affected with DNM2-related conditions. This variant is not present in population databases (gnomAD no frequency). This sequence change replaces lysine, which is basic and polar, with glutamic acid, which is acidic and polar, at codon 419 of the DNM2 protein (p.Lys419Glu).

Ambry Genetics
Classification: Uncertain significance for Inborn genetic diseases. Last evaluated: 2020-03-10. Review status: criteria provided, single submitter. Criteria: Ambry Variant Classification Scheme 2023. Collection method: clinical testing. Allele origin: germline.
Comment: The p.K419E variant (also known as c.1255A>G), located in coding exon 10 of the DNM2 gene, results from an A to G substitution at nucleotide position 1255. The lysine at codon 419 is replaced by glutamic acid, an amino acid with similar properties. This amino acid position is highly conserved in available vertebrate species. In addition, this alteration is predicted to be deleterious by in silico analysis. Since supporting evidence is limited at this time, the clinical significance of this alteration remains unclear.

NM_001005361.3(DNM2):c.1196+680A>G

Gene: DNM2 (dynamin 2; plus strand). Cytogenetic location: 19p13.2.
Variant type: single nucleotide variant.
Coding change: c.1196+680A>G on transcript NM_001005361.3 (MANE Select); 680 bases into the intron after coding-DNA position 1196, A replaced by G.
Molecular consequence: intron variant. On other transcripts: missense variant (3).
Genome position (GRCh38, 1-based): chr19:10,796,119, A>G. VCF-style: chr19-10796119-A-G. GRCh37 (hg19) VCF-style: chr19-10906795-A-G.
Other names: c.1255A>G, p.Lys419Glu (NM_001005360.3, NM_001190716.2, NM_004945.4); c.1196+680A>G (NM_001005362.3); short protein forms K419E.
Identifiers: ClinVar variation 998817 (VCV000998817.10), dbSNP rs2071923540, ClinGen allele CA404048816.